The following is an entry in ClinVar:

ClinVar aggregate classification (germline): Uncertain significance. Review status: criteria provided, multiple submitters, no conflicts (2 of 4 stars). 2 submissions from 2 submitters: Uncertain significance (2). Last evaluated 2023-03-27.

Conditions:
Charcot-Marie-Tooth disease type 2E (CMT2E). Also called: CHARCOT-MARIE-TOOTH NEUROPATHY, TYPE 2E; CHARCOT-MARIE-TOOTH DISEASE, AXONAL, TYPE 2E. Identifiers: Orphanet 99939, MedGen C1843225, MONDO:0011894, OMIM 607684.

Allele frequency attached by ClinVar (database versions not stated): TOPMed below 0.00001; ExAC 0.00001; gnomAD 0.00001; gnomAD exomes 0.00002.
gnomAD v4.1: 12 of 1,608,512 alleles (0.00075%); highest among the groups gnomAD compares: Admixed American, 0.0067%; no homozygotes.

Submissions (2):

Labcorp Genetics (formerly Invitae), Labcorp
Classification: Uncertain significance for Charcot-Marie-Tooth disease type 2E. Last evaluated: 2023-03-27. Review status: criteria provided, single submitter. Criteria: Invitae Variant Classification Sherloc (09022015). Collection method: clinical testing. Allele origin: germline.
Comment: This variant is present in population databases (rs781084022, gnomAD 0.006%). This variant has not been reported in the literature in individuals affected with NEFL-related conditions. ClinVar contains an entry for this variant (Variation ID: 940028). Advanced modeling of protein sequence and biophysical properties (such as structural, functional, and spatial information, amino acid conservation, physicochemical variation, residue mobility, and thermodynamic stability) performed at Invitae indicates that this missense variant is not expected to disrupt NEFL protein function. In summary, the available evidence is currently insufficient to determine the role of this variant in disease. Therefore, it has been classified as a Variant of Uncertain Significance. This sequence change replaces aspartic acid, which is acidic and polar, with glutamic acid, which is acidic and polar, at codon 343 of the NEFL protein (p.Asp343Glu).

GeneDx
Classification: Uncertain significance. Last evaluated: 2021-06-28. Review status: criteria provided, single submitter. Criteria: GeneDx Variant Classification Process June 2021. Collection method: clinical testing. Allele origin: germline. Affected: yes.
Comment: Has not been previously published as pathogenic or benign to our knowledge; In silico analysis supports that this missense variant does not alter protein structure/function; This variant is associated with the following publications: (PMID: 27535533)

NM_006158.5(NEFL):c.1029C>G (p.Asp343Glu)

Gene: NEFL (neurofilament light chain; minus strand). Cytogenetic location: 8p21.2.
Variant type: single nucleotide variant.
Coding change: c.1029C>G on transcript NM_006158.5 (MANE Select); coding-DNA position 1029, C replaced by G.
Protein change: p.Asp343Glu; replaces aspartic acid 343 with glutamic acid.
Molecular consequence: missense variant.
Genome position (GRCh38, 1-based): chr8:24,955,487, G>C on the plus strand (C>G on the coding strand, the complement: NEFL is on the minus strand). VCF-style: chr8-24955487-G-C. GRCh37 (hg19) VCF-style: chr8-24813001-G-C.
Other names: short protein forms D343E.
Identifiers: ClinVar variation 940028 (VCV000940028.7), dbSNP rs781084022, ClinGen allele CA4681397.